The following is an entry in ClinVar:

ClinVar aggregate classification (germline): Likely pathogenic (1 of 4 stars; one submission).

Conditions:
Hereditary cancer-predisposing syndrome. Also called: Neoplastic Syndromes, Hereditary; Hereditary Cancer Syndrome; Tumor predisposition; Hereditary neoplastic syndrome. Identifiers: Orphanet 140162, MedGen C0027672, MeSH D009386, MONDO:0015356.

Submission:

Ambry Genetics
Classification: Likely pathogenic for Hereditary cancer-predisposing syndrome. Last evaluated: 2025-01-31. Review status: criteria provided, single submitter. Criteria: Ambry Variant Classification Scheme 2023. Collection method: clinical testing. Allele origin: germline.
Comment: The c.1898+1_1898+3delGTAinsCTT variant results from a deletion of 3 nucleotides and insertion of 3 nucleotides at positions c.1898+1 to c.1898+3 and involves the canonical splice donor site after coding exon 11 of the ATM gene. The canonical splice donor site is highly conserved in available vertebrate species. In silico splice site analysis predicts that this alteration will weaken the native splice donor site; however, direct evidence is insufficient at this time (Ambry internal data). This variant is considered to be rare based on population cohorts in the Genome Aggregation Database (gnomAD). Alterations that disrupt the canonical splice site are expected to cause aberrant splicing, resulting in an abnormal protein or a transcript that is subject to nonsense-mediated mRNA decay. As such, this alteration is classified as likely pathogenic.

NM_000051.4(ATM):c.1898+1_1898+3delinsCTT

Gene: ATM (ATM serine/threonine kinase; plus strand). Cytogenetic location: 11q22.3.
Variant type: Indel.
Coding change: c.1898+1_1898+3delinsCTT on transcript NM_000051.4 (MANE Select); the canonical splice donor site of the intron after coding-DNA position 1898 through 3 bases into the intron after coding-DNA position 1898, GTA replaced by CTT.
Molecular consequence: splice donor variant.
Genome position (GRCh38, 1-based): chr11:108,252,913-108,252,915, GTA replaced by CTT. VCF-style: chr11-108252913-GTA-CTT. GRCh37 (hg19) VCF-style: chr11-108123640-GTA-CTT.
Other names: c.1898+1_1898+3delinsCTT (NM_001351834.2).
Identifiers: ClinVar variation 3801974 (VCV003801974.1).